The following is an entry in ClinVar:

ClinVar aggregate classification (germline): Uncertain significance (1 of 4 stars; one submission).

Submission:

Labcorp Genetics (formerly Invitae), Labcorp
Classification: Uncertain significance. Last evaluated: 2025-12-28. Review status: criteria provided, single submitter. Criteria: Invitae Variant Classification Sherloc (09022015). Collection method: clinical testing. Allele origin: germline.
Comment: This sequence change replaces valine, which is neutral and non-polar, with methionine, which is neutral and non-polar, at codon 918 of the ZSWIM6 protein (p.Val918Met). This variant is not present in population databases (gnomAD no frequency). This variant has not been reported in the literature in individuals affected with ZSWIM6-related conditions. Invitae Evidence Modeling of protein sequence and biophysical properties (such as structural, functional, and spatial information, amino acid conservation, physicochemical variation, residue mobility, and thermodynamic stability) indicates that this missense variant is not expected to disrupt ZSWIM6 protein function with a negative predictive value of 80%. In summary, the available evidence is currently insufficient to determine the role of this variant in disease. Therefore, it has been classified as a Variant of Uncertain Significance.

NM_020928.2(ZSWIM6):c.2752G>A (p.Val918Met)

Gene: ZSWIM6 (zinc finger SWIM-type containing 6; plus strand). Cytogenetic location: 5q12.1.
Variant type: single nucleotide variant.
Coding change: c.2752G>A on transcript NM_020928.2 (MANE Select); coding-DNA position 2752, G replaced by A.
Protein change: p.Val918Met; replaces valine 918 with methionine.
Molecular consequence: missense variant.
Genome position (GRCh38, 1-based): chr5:61,541,932, G>A. VCF-style: chr5-61541932-G-A. GRCh37 (hg19) VCF-style: chr5-60837759-G-A.
Other names: short protein forms V918M.
Identifiers: ClinVar variation 4744147 (VCV004744147.1).